The following is an entry in ClinVar:

NM_000535.7(PMS2):c.1759A>T (p.Ser587Cys)

Gene: PMS2 (PMS1 homolog 2, mismatch repair system component; minus strand). Cytogenetic location: 7p22.1.
Variant type: single nucleotide variant.
Coding change: c.1759A>T on transcript NM_000535.7 (MANE Select); coding-DNA position 1759, A replaced by T.
Protein change: p.Ser587Cys; replaces serine 587 with cysteine.
Molecular consequence: missense variant. On other transcripts: non-coding transcript variant (1).
Genome position (GRCh38, 1-based): chr7:5,987,006, T>A on the plus strand (A>T on the coding strand, the complement: PMS2 is on the minus strand). VCF-style: chr7-5987006-T-A. GRCh37 (hg19) VCF-style: chr7-6026637-T-A.
Other names: c.1354A>T, p.Ser452Cys (NM_001322003.2, NM_001322004.2, NM_001322005.2 and 1 more transcripts); c.1603A>T, p.Ser535Cys (NM_001322006.2); c.1441A>T, p.Ser481Cys (NM_001322007.2, NM_001322008.2); c.1198A>T, p.Ser400Cys (NM_001322010.2); c.826A>T, p.Ser276Cys (NM_001322011.2, NM_001322012.2); c.1186A>T, p.Ser396Cys (NM_001322013.2); c.1759A>T, p.Ser587Cys (NM_001322014.2); c.1450A>T, p.Ser484Cys (NM_001322015.2); short protein forms S587C, S396C, S400C, S481C, S535C, S452C, S276C, S484C.
Identifiers: ClinVar variation 480311 (VCV000480311.5), dbSNP rs1554297277, ClinGen allele CA366739997.

ClinVar aggregate classification (germline): Uncertain significance (1 of 4 stars; one submission).

Conditions:
Hereditary cancer-predisposing syndrome. Also called: Hereditary Cancer Syndrome; Neoplastic Syndromes, Hereditary; Tumor predisposition; Hereditary neoplastic syndrome. Identifiers: Orphanet 140162, MedGen C0027672, MeSH D009386, MONDO:0015356.

Submission:

Ambry Genetics
Classification: Uncertain significance for Hereditary cancer-predisposing syndrome. Last evaluated: 2016-01-10. Review status: criteria provided, single submitter. Criteria: Ambry Variant Classification Scheme 2023. Collection method: clinical testing. Allele origin: germline.
Comment: The p.S587C variant (also known as c.1759A>T), located in coding exon 11 of the PMS2 gene, results from an A to T substitution at nucleotide position 1759. The serine at codon 587 is replaced by cysteine, an amino acid with dissimilar properties. This variant was not reported in population based cohorts in the following databases: Database of Single Nucleotide Polymorphisms (dbSNP), NHLBI Exome Sequencing Project (ESP), and 1000 Genomes Project. In the ESP, this variant was not observed in 6503 samples (13006 alleles) with coverage at this position. To date, this alteration has been detected with an allele frequency of approximately 0.001% (greater than 110000 alleles tested) in our clinical cohort. This amino acid position is poorly conserved in available vertebrate species. In addition, this alteration is predicted to be tolerated by in silico analysis. Since supporting evidence is limited at this time, the clinical significance of p.S587C remains unclear.